The following is an entry in ClinVar:

ClinVar aggregate classification (germline): Uncertain significance. Review status: criteria provided, multiple submitters, no conflicts (2 of 4 stars). 2 submissions from 2 submitters: Uncertain significance (2). Last evaluated 2024-08-13.

Conditions:
Familial thoracic aortic aneurysm and aortic dissection (TAAD). Also called: Thoracic aortic aneurysms and dissections. Identifiers: Orphanet 91387, MedGen C4707243, MONDO:0019625.

Submissions (2):

All of Us Research Program, National Institutes of Health
Classification: Uncertain significance for Familial thoracic aortic aneurysm and aortic dissection. Last evaluated: 2024-08-13. Review status: criteria provided, single submitter. Criteria: ACMG Guidelines, 2015. Collection method: clinical testing. Allele origin: germline. Inheritance: Autosomal dominant inheritance. Observed: 3 variant alleles, 3 heterozygotes.
Comment: This variant causes a single nucleotide substitution in the 3' untranslated region of the MYH11 gene. To our knowledge, functional studies have not been reported for this variant. This variant has not been reported in individuals affected with cardiovascular disorders in the literature. This variant has not been identified in the general population by the Genome Aggregation Database (gnomAD). The available evidence is insufficient to determine the role of this variant in disease conclusively. Therefore, this variant is classified as a Variant of Uncertain Significance.

This study involves interpretation of variants in research participants for the purpose of population health screening. Participant phenotype was not available at the time of variant classification. Additional details can be found in publication PMID: 35346344, PMCID: PMC8962531

Color Diagnostics, LLC DBA Color Health
Classification: Uncertain significance for Familial thoracic aortic aneurysm and aortic dissection. Last evaluated: 2024-07-31. Review status: criteria provided, single submitter. Criteria: ACMG Guidelines, 2015. Collection method: clinical testing. Allele origin: germline.
Comment: This variant causes a single nucleotide substitution in the 3' untranslated region of the MYH11 gene. To our knowledge, functional studies have not been reported for this variant. This variant has not been reported in individuals affected with cardiovascular disorders in the literature. This variant has not been identified in the general population by the Genome Aggregation Database (gnomAD). The available evidence is insufficient to determine the role of this variant in disease conclusively. Therefore, this variant is classified as a Variant of Uncertain Significance.

NM_002474.3(MYH11):c.5787-4685C>T

Genes: NDE1 (nudE neurodevelopment protein 1; plus strand), MYH11 (myosin heavy chain 11; minus strand). Cytogenetic location: 16p13.11.
Variant type: single nucleotide variant.
Coding change: c.5787-4685C>T on transcript NM_002474.3 (MANE Select); 4685 bases into the intron before coding-DNA position 5787, C replaced by T.
Molecular consequence: intron variant. On other transcripts: 3 prime UTR variant (2).
Genome position (GRCh38, 1-based): chr16:15,708,808, G>A on the plus strand (C>T on the coding strand, the complement: MYH11 is on the minus strand). VCF-style: chr16-15708808-G-A. GRCh37 (hg19) VCF-style: chr16-15802665-G-A.
Other names: c.*3C>T (NM_001040113.2, NM_022844.3); c.947+11948G>A (NM_001143979.2, NM_017668.3); c.5808-4685C>T (NM_001040114.2).
Identifiers: ClinVar variation 1171328 (VCV001171328.6), dbSNP rs2151173150, ClinGen allele CA394844497.
Genomic context (GRCh38, chr16:15,708,808, plus strand): 5'-AGAAAAGAAATGGATACTGAGACAACACACAGCTGCGAAGCTGAAGGCATGATACCTGGT[G>A]CATCACTGCGAAGTTTCCTGTGGGGGGGGCCCTCTGAAACAGAGAGAGAATCCCCGGAGG-3'